The following is an entry in ClinVar:

ClinVar aggregate classification (germline): Conflicting classifications of pathogenicity. Review status: criteria provided, conflicting classifications (1 of 4 stars). 9 submissions from 8 submitters: Uncertain significance (6); Likely benign (3). Last evaluated 2026-01-28.

Conditions:
Holoprosencephaly 7 (HPE7). Identifiers: Orphanet 2162, MedGen C1835820, MONDO:0012562, OMIM 610828.
PTCH1-related disorder. Also called: PTCH1-related disorders; PTCH1-related condition.
Hereditary cancer-predisposing syndrome. Also called: Tumor predisposition; Hereditary Cancer Syndrome; Neoplastic Syndromes, Hereditary; Hereditary neoplastic syndrome. Identifiers: Orphanet 140162, MedGen C0027672, MeSH D009386, MONDO:0015356.
Gorlin syndrome. Also called: Nevoid Basal Cell Carcinoma Syndrome; Basal cell nevus syndrome. Identifiers: Orphanet 377, MedGen C0004779, MONDO:0007187.

Allele frequency attached by ClinVar (database versions not stated): gnomAD 0.00008 and 0.00007; ExAC 0.00003; gnomAD exomes 0.00004 and 0.00006; TOPMed 0.00006; ESP Exome Variant Server 0.00008.
gnomAD v4.1: 98 of 1,613,018 alleles (0.0061%); highest among the groups gnomAD compares: African/African-American, 0.011%; no homozygotes.

Submissions (9):

Labcorp Genetics (formerly Invitae), Labcorp
Classification: Likely benign for Gorlin syndrome. Last evaluated: 2026-01-28. Review status: criteria provided, single submitter. Criteria: Invitae Variant Classification Sherloc (09022015). Collection method: clinical testing. Allele origin: germline.

CeGaT Center for Human Genetics Tuebingen
Classification: Uncertain significance. Last evaluated: 2025-08-01. Review status: criteria provided, single submitter. Criteria: CeGaT Center For Human Genetics Tuebingen Variant Classification Criteria Version 2. Collection method: clinical testing. Allele origin: germline. Affected: yes. Observed: 1 variant allele.

PreventionGenetics, part of Exact Sciences
Classification: Likely benign for PTCH1-related condition. Last evaluated: 2025-06-01. Review status: criteria provided, single submitter. Criteria: ACMG Guidelines, 2015. Collection method: clinical testing. Allele origin: germline.
Comment: This variant is classified as likely benign based on ACMG/AMP sequence variant interpretation guidelines (Richards et al. 2015 PMID: 25741868, with internal and published modifications).

Quest Diagnostics Nichols Institute San Juan Capistrano
Classification: Uncertain significance. Last evaluated: 2023-10-24. Review status: criteria provided, single submitter. Criteria: Quest Diagnostics criteria. Collection method: clinical testing. Allele origin: unknown.
Comment: The PTCH1 c.3955C>T (p.Arg1319Cys) variant has been reported in the published literature in an individual with pancreatic cancer (PMID: 32255556 (2020)). The frequency of this variant in the general population, 0.000085 (3/35346 chromosomes in Latino/Admixed American subpopulation (Genome Aggregation Database)), is higher than would generally be expected for pathogenic variants in this gene. Analysis of this variant using a bioinformatics tool for the prediction of the effect of amino acid changes on protein structure and function yielded a prediction that this variant is damaging. Based on the available information, we are unable to determine the clinical significance of this variant.

Ambry Genetics
Classification: Likely benign for Hereditary cancer-predisposing syndrome. Last evaluated: 2022-12-15. Review status: criteria provided, single submitter. Criteria: Ambry Variant Classification Scheme 2023. Collection method: clinical testing. Allele origin: germline.

Institute for Clinical Genetics, University Hospital TU Dresden, University Hospital TU Dresden
Classification: Uncertain significance. Last evaluated: 2021-11-03. Review status: criteria provided, single submitter. Criteria: ACMG Guidelines, 2015. Collection method: clinical testing. Allele origin: germline.

Sema4
Classification: Uncertain significance for Hereditary cancer-predisposing syndrome. Last evaluated: 2021-10-21. Review status: criteria provided, single submitter. Criteria: Sema4 Curation Guidelines. Collection method: curation. Allele origin: germline.
Comment: To the best of our knowledge, the PTCH1 c.3955C>T (p.R1319C) variant has not been reported in individuals with PTCH1-related disease. This variant was observed in 3/35346 chromosomes in the Latino population according to the Genome Aggregation Database (PMID: 32461654), and has been reported in ClinVar (Variation ID: 237492). In silico tools suggest the impact of the variant on protein function is deleterious, though these predictions have not been confirmed by functional studies. Based on the current evidence available, this variant is interpreted as a variant of uncertain significance.

Illumina Laboratory Services, Illumina
Classification: Uncertain significance for Holoprosencephaly 7. Last evaluated: 2018-01-12. Review status: criteria provided, single submitter. Criteria: ICSL Variant Classification Criteria 13 December 2019. Collection method: clinical testing. Allele origin: germline.

Illumina Laboratory Services, Illumina
Classification: Uncertain significance for Basal cell nevus syndrome 1. Last evaluated: 2018-01-12. Review status: criteria provided, single submitter. Criteria: ICSL Variant Classification Criteria 13 December 2019. Collection method: clinical testing. Allele origin: germline.

Literature cited by the submitters: PubMed 27930734 (cited by Quest Diagnostics Nichols Institute San Juan Capistrano and Ambry Genetics); PubMed 32255556 (cited by Quest Diagnostics Nichols Institute San Juan Capistrano).

NM_000264.5(PTCH1):c.3955C>T (p.Arg1319Cys)

Gene: PTCH1 (patched 1; minus strand). Cytogenetic location: 9q22.32.
Variant type: single nucleotide variant.
Coding change: c.3955C>T on transcript NM_000264.5 (MANE Select); coding-DNA position 3955, C replaced by T.
Protein change: p.Arg1319Cys; replaces arginine 1319 with cysteine.
Molecular consequence: missense variant. On other transcripts: non-coding transcript variant (1).
Genome position (GRCh38, 1-based): chr9:95,447,301, G>A on the plus strand (C>T on the coding strand, the complement: PTCH1 is on the minus strand). VCF-style: chr9-95447301-G-A. GRCh37 (hg19) VCF-style: chr9-98209583-G-A.
Other names: c.3757C>T, p.Arg1253Cys (NM_001083602.3); c.3952C>T, p.Arg1318Cys (NM_001083603.3); c.3502C>T, p.Arg1168Cys (NM_001083604.3, NM_001083605.3, NM_001083606.3 and 1 more transcripts); c.3799C>T, p.Arg1267Cys (NM_001354918.2); c.3955C>T (NM_000264.4); short protein forms R1253C, R1319C, R1267C, R1168C, R1318C.
Identifiers: ClinVar variation 237492 (VCV000237492.35), dbSNP rs375998275, ClinGen allele CA5137992.
Genomic context (GRCh38, chr9:95,447,301, plus strand): 5'-AGCGGGCCCTATTGCTAGGGCCAGAATGCCCTTCAGTAGAAATTTCAAAAGCGTCTCTGC[G>A]CGGTCTGTAGGGGGGTGGCCACAAGCCTTCTCTGGGGGGGTCCCTGCGGGGCTGCTGGCC-3'
Protein context (NP_000255.2, residues 1309-1329): EGLWPPPYRP[Arg1319Cys]RDAFEISTEG